The following is an entry in ClinVar:

NM_001367624.2(ZNF469):c.6073G>C (p.Ala2025Pro)

Gene: ZNF469 (zinc finger protein 469; plus strand). Cytogenetic location: 16q24.2.
Variant type: single nucleotide variant.
Coding change: c.6073G>C on transcript NM_001367624.2 (MANE Select); coding-DNA position 6073, G replaced by C.
Protein change: p.Ala2025Pro; replaces alanine 2025 with proline.
Molecular consequence: missense variant.
Genome position (GRCh38, 1-based): chr16:88,433,543, G>C. VCF-style: chr16-88433543-G-C. GRCh37 (hg19) VCF-style: chr16-88499951-G-C.
Other names: short protein forms A2025P.
Identifiers: ClinVar variation 1343542 (VCV001343542.2), dbSNP rs1318556892, ClinGen allele CA397103821.
Genomic context (GRCh38, chr16:88,433,543, plus strand): 5'-AACGGGGTGAGCCCAGGGGGCACGGACAACCACGCCTCAGTCAATGCCAGTCCCAAAACA[G>C]CGCTGACCGGCCCCACCGAGGGTGCAGTCCTGCTAGAGAAATGCAAGGGAAGCAGGGCAG-3'
Protein context (NP_001354553.1, residues 2015-2035): HASVNASPKT[Ala2025Pro]LTGPTEGAVL

ClinVar aggregate classification (germline): Uncertain significance. Review status: criteria provided, multiple submitters, no conflicts (2 of 4 stars). 2 submissions from 2 submitters: Uncertain significance (2). Last evaluated 2025-05-03.

Allele frequency attached by ClinVar (database versions not stated): gnomAD exomes 0.00001 and below 0.00001; TOPMed below 0.00001.
gnomAD v4.1: 1 of 1,549,738 alleles (0.000065%); highest among the groups gnomAD compares: Admixed American, 0.002%; no homozygotes.

Submissions (2):

Labcorp Genetics (formerly Invitae), Labcorp
Classification: Uncertain significance. Last evaluated: 2025-05-03. Review status: criteria provided, single submitter. Criteria: Invitae Variant Classification Sherloc (09022015). Collection method: clinical testing. Allele origin: germline.
Comment: This sequence change replaces alanine, which is neutral and non-polar, with proline, which is neutral and non-polar, at codon 1997 of the ZNF469 protein (p.Ala1997Pro). This variant is present in population databases (no rsID available, gnomAD 0.004%). This variant has not been reported in the literature in individuals affected with ZNF469-related conditions. ClinVar contains an entry for this variant (Variation ID: 1343542). An algorithm developed to predict the effect of missense changes on protein structure and function outputs the following: PolyPhen-2: "Benign". The proline amino acid residue is found in multiple mammalian species, which suggests that this missense change does not adversely affect protein function. In summary, the available evidence is currently insufficient to determine the role of this variant in disease. Therefore, it has been classified as a Variant of Uncertain Significance.

Women's Health and Genetics/Laboratory Corporation of America, LabCorp
Classification: Uncertain significance. Last evaluated: 2022-02-18. Review status: criteria provided, single submitter. Criteria: LabCorp Variant Classification Summary - May 2015. Collection method: clinical testing. Allele origin: germline.